The following is an entry in ClinVar:

ClinVar aggregate classification (germline): Uncertain significance. Review status: criteria provided, multiple submitters, no conflicts (2 of 4 stars). 2 submissions from 2 submitters: Uncertain significance (2). Last evaluated 2025-08-13.

Allele frequency attached by ClinVar (database versions not stated): gnomAD exomes 0.00001 and 0.00003; ExAC 0.00002; TOPMed 0.00003; gnomAD 0.00006; ESP Exome Variant Server 0.00008.
gnomAD v4.1: 24 of 1,613,918 alleles (0.0015%); highest among the groups gnomAD compares: African/African-American, 0.017%; no homozygotes.

Submissions (2):

Labcorp Genetics (formerly Invitae), Labcorp
Classification: Uncertain significance. Last evaluated: 2025-08-13. Review status: criteria provided, single submitter. Criteria: Invitae Variant Classification Sherloc (09022015). Collection method: clinical testing. Allele origin: germline.
Comment: This sequence change replaces threonine, which is neutral and polar, with methionine, which is neutral and non-polar, at codon 937 of the CACNA1D protein (p.Thr937Met). This variant is present in population databases (rs145327253, gnomAD 0.03%). This variant has not been reported in the literature in individuals affected with CACNA1D-related conditions. ClinVar contains an entry for this variant (Variation ID: 1506975). An algorithm developed to predict the effect of missense changes on protein structure and function (PolyPhen-2) suggests that this variant is likely to be disruptive. In summary, the available evidence is currently insufficient to determine the role of this variant in disease. Therefore, it has been classified as a Variant of Uncertain Significance.

GeneDx
Classification: Uncertain significance. Last evaluated: 2025-07-31. Review status: criteria provided, single submitter. Criteria: GeneDx Variant Classification Process June 2021. Collection method: clinical testing. Allele origin: germline. Affected: yes.
Comment: In silico analysis suggests that this missense variant does not alter protein structure/function; Has not been previously published as pathogenic or benign to our knowledge

NM_001128840.3(CACNA1D):c.2750C>T (p.Thr917Met)

Gene: CACNA1D (calcium voltage-gated channel subunit alpha1 D; plus strand). Cytogenetic location: 3p21.1.
Variant type: single nucleotide variant.
Coding change: c.2750C>T on transcript NM_001128840.3 (MANE Select); coding-DNA position 2750, C replaced by T.
Protein change: p.Thr917Met; replaces threonine 917 with methionine.
Molecular consequence: missense variant.
Genome position (GRCh38, 1-based): chr3:53,735,502, C>T. VCF-style: chr3-53735502-C-T. GRCh37 (hg19) VCF-style: chr3-53769529-C-T.
Other names: c.2810C>T (NM_000720.2); c.2810C>T, p.Thr937Met (NM_000720.4); c.2750C>T, p.Thr917Met (NM_001128839.3); short protein forms T917M, T937M.
Identifiers: ClinVar variation 1506975 (VCV001506975.7), dbSNP rs145327253, ClinGen allele CA2454332.